The following is an entry in ClinVar:

NM_000071.3(CBS):c.754G>A (p.Val252Met)

Gene: CBS (cystathionine beta-synthase; minus strand). Cytogenetic location: 21q22.3.
Variant type: single nucleotide variant.
Coding change: c.754G>A on transcript NM_000071.3 (MANE Select); coding-DNA position 754, G replaced by A.
Protein change: p.Val252Met; replaces valine 252 with methionine.
Molecular consequence: missense variant.
Genome position (GRCh38, 1-based): chr21:43,063,974, C>T on the plus strand (G>A on the coding strand, the complement: CBS is on the minus strand). VCF-style: chr21-43063974-C-T. GRCh37 (hg19) VCF-style: chr21-44484084-C-T.
Other names: c.754G>A, p.Val252Met (NM_001178008.3, NM_001178009.3, NM_001320298.2); c.439G>A, p.Val147Met (NM_001321072.1); short protein forms V147M, V252M.
Identifiers: ClinVar variation 1705436 (VCV001705436.1), dbSNP rs2517437142, ClinGen allele CA410600360.
Genomic context (GRCh38, chr21:43,063,974, plus strand): 5'-ACTTCTCCTTCAGCTTCCTGGCAATGCCCGTGATGGTGCCGCCCGTGCCCACTGAAGCCA[C>T]CAGCATGTCCAGCTTCCCTGGTGGACGGATAACATTCTTGGGTCCCTGCCTGGCCAGCCC-3'
Protein context (NP_000062.1, residues 242-262): QQCDGKLDML[Val252Met]ASVGTGGTIT

ClinVar aggregate classification (germline): Uncertain significance (1 of 4 stars; one submission).

Conditions:
Classic homocystinuria. Also called: Homocystinuria due to CBS deficiency; Cystathionine beta-synthase deficiency; CBS deficiency; Homocystinuria due to Cystathionine Beta-Synthase Deficiency; HOMOCYSTINURIA WITH OR WITHOUT RESPONSE TO PYRIDOXINE. Identifiers: Orphanet 394, MedGen C0751202, MONDO:0009352, OMIM 236200.

Submission:

3billion
Classification: Uncertain significance for Classic homocystinuria. Last evaluated: 2022-09-01. Review status: criteria provided, single submitter. Criteria: ACMG Guidelines, 2015. Collection method: clinical testing. Allele origin: germline. Affected: yes. Observed: 1 homozygote.
Comment: The variant is not observed in the gnomAD v2.1.1 dataset. In silico tool predictions suggest damaging effect of the variant on gene or gene product (REVEL: 0.92; 3Cnet: 0.98). Therefore, this variant is classified as uncertain significance according to the recommendation of ACMG/AMP guideline.